The following is an entry in ClinVar:

NM_153614.4(DNAJB13):c.106T>G (p.Ser36Ala)

Gene: DNAJB13 (DnaJ heat shock protein family (Hsp40) member B13; plus strand). Cytogenetic location: 11q13.4.
Variant type: single nucleotide variant.
Coding change: c.106T>G on transcript NM_153614.4 (MANE Select); coding-DNA position 106, T replaced by G.
Protein change: p.Ser36Ala; replaces serine 36 with alanine.
Molecular consequence: missense variant. On other transcripts: 5 prime UTR variant (1).
Genome position (GRCh38, 1-based): chr11:73,958,354, T>G. VCF-style: chr11-73958354-T-G. GRCh37 (hg19) VCF-style: chr11-73669399-T-G.
Other names: c.-200T>G (NM_001377263.1); short protein forms S36A.
Identifiers: ClinVar variation 977601 (VCV000977601.7), dbSNP rs144741417, ClinGen allele CA6180603.

ClinVar aggregate classification (germline): Uncertain significance. Review status: criteria provided, multiple submitters, no conflicts (2 of 4 stars). 2 submissions from 2 submitters: Uncertain significance (2). Last evaluated 2021-12-02.

Conditions:
Primary ciliary dyskinesia. Also called: Ciliary dyskinesia. Identifiers: Orphanet 244, MedGen C0008780, MONDO:0016575, HP:0012265.

Allele frequency attached by ClinVar (database versions not stated): ESP Exome Variant Server 0.00015; TOPMed 0.00010.
gnomAD v4.1: 202 of 1,613,966 alleles (0.013%); highest among the groups gnomAD compares: Non-Finnish European, 0.016%; no homozygotes.

Submissions (2):

Labcorp Genetics (formerly Invitae), Labcorp
Classification: Uncertain significance. Last evaluated: 2021-12-02. Review status: criteria provided, single submitter. Criteria: Invitae Variant Classification Sherloc (09022015). Collection method: clinical testing. Allele origin: germline.
Comment: This sequence change replaces serine, which is neutral and polar, with alanine, which is neutral and non-polar, at codon 36 of the DNAJB13 protein (p.Ser36Ala). This variant is present in population databases (rs144741417, gnomAD 0.01%). This variant has not been reported in the literature in individuals affected with DNAJB13-related conditions. ClinVar contains an entry for this variant (Variation ID: 977601). Algorithms developed to predict the effect of missense changes on protein structure and function output the following: SIFT: "Tolerated"; PolyPhen-2: "Benign"; Align-GVGD: "Class C0". The alanine amino acid residue is found in multiple mammalian species, which suggests that this missense change does not adversely affect protein function. In summary, the available evidence is currently insufficient to determine the role of this variant in disease. Therefore, it has been classified as a Variant of Uncertain Significance.

UNC Molecular Genetics  Laboratory, University of North Carolina at Chapel Hill
Classification: Uncertain significance for Primary ciliary dyskinesia. Last evaluated: 2019-07-25. Review status: criteria provided, single submitter. Criteria: ACMG Guidelines, 2015. Collection method: clinical testing. Allele origin: germline. Observed: 1 heterozygote.